The following is an entry in ClinVar:

ClinVar aggregate classification (germline): Uncertain significance (1 of 4 stars; one submission).

Submission:

GeneDx
Classification: Uncertain significance. Last evaluated: 2026-02-16. Review status: criteria provided, single submitter. Criteria: GeneDx Variant Classification Process June 2021. Collection method: clinical testing. Allele origin: germline.
Comment: Not observed at significant frequency in large population cohorts (gnomAD); In silico analysis suggests that this missense variant does not alter protein structure/function; Has not been previously published as pathogenic or benign to our knowledge

NM_002055.5(GFAP):c.377G>C (p.Arg126Pro)

Gene: GFAP (glial fibrillary acidic protein; minus strand). Cytogenetic location: 17q21.31.
Variant type: single nucleotide variant.
Coding change: c.377G>C on transcript NM_002055.5 (MANE Select); coding-DNA position 377, G replaced by C.
Protein change: p.Arg126Pro; replaces arginine 126 with proline.
Molecular consequence: missense variant.
Genome position (GRCh38, 1-based): chr17:44,915,110, C>G on the plus strand (G>C on the coding strand, the complement: GFAP is on the minus strand). VCF-style: chr17-44915110-C-G. GRCh37 (hg19) VCF-style: chr17-42992478-C-G.
Other names: c.377G>C (NM_002055.4); c.377G>C, p.Arg126Pro (NM_001131019.3, NM_001242376.3, NM_001363846.2); short protein forms R126P.
Identifiers: ClinVar variation 4884578 (VCV004884578.2).
Genomic context (GRCh38, chr17:44,915,110, plus strand): 5'-TGTGCCAGATTGTCCCTCTCAACCTCCAGCCGGGCGCTGTTGGCGGTGAGTTGATCGAGC[C>G]GCAGCCGCAGCTCTCGCAGCTCAGCCTGGTAGACGTCTGCCAGCTTGGTGGGCTCCTTGG-3'
Protein context (NP_002046.1, residues 116-136): YQAELRELRL[Arg126Pro]LDQLTANSAR